The following is an entry in ClinVar:

ClinVar aggregate classification (germline): Uncertain significance (1 of 4 stars; one submission).

Submission:

Labcorp Genetics (formerly Invitae), Labcorp
Classification: Uncertain significance. Last evaluated: 2026-01-24. Review status: criteria provided, single submitter. Criteria: Invitae Variant Classification Sherloc (09022015). Collection method: clinical testing. Allele origin: germline.
Comment: This sequence change replaces proline, which is neutral and non-polar, with leucine, which is neutral and non-polar, at codon 1277 of the ERBIN protein (p.Pro1277Leu). This variant is not present in population databases (gnomAD no frequency). This variant has not been reported in the literature in individuals affected with ERBIN-related conditions. An algorithm developed to predict the effect of missense changes on protein structure and function (PolyPhen-2) suggests that this variant is likely to be tolerated. In summary, the available evidence is currently insufficient to determine the role of this variant in disease. Therefore, it has been classified as a Variant of Uncertain Significance.

NM_001253697.2(ERBIN):c.3830C>T (p.Pro1277Leu)

Gene: ERBIN (erbb2 interacting protein; plus strand). Cytogenetic location: 5q12.3.
Variant type: single nucleotide variant.
Coding change: c.3830C>T on transcript NM_001253697.2 (MANE Select); coding-DNA position 3830, C replaced by T.
Protein change: p.Pro1277Leu; replaces proline 1277 with leucine.
Molecular consequence: missense variant. On other transcripts: intron variant (1).
Genome position (GRCh38, 1-based): chr5:66,075,097, C>T. VCF-style: chr5-66075097-C-T. GRCh37 (hg19) VCF-style: chr5-65370925-C-T.
Other names: c.3707C>T, p.Pro1236Leu (NM_001253698.2, NM_018695.4); c.3851C>T, p.Pro1284Leu (NM_001253699.2); c.3695C>T, p.Pro1232Leu (NM_001253701.2); c.3634-1219C>T (NM_001006600.3); short protein forms P1232L, P1277L, P1284L, P1236L.
Identifiers: ClinVar variation 4760253 (VCV004760253.1).
Genomic context (GRCh38, chr5:66,075,097, plus strand): 5'-ATGGACAGATGGGCCAGCCTCTCAGGCCTCAGGCAAATTATAGTCAAATACATCACCCCC[C>T]TCAGGCATCTGTGGCAAGGCATCCCTCTAGAGAACAACTAATTGATTACTTGATGCTGAA-3'
Protein context (NP_001240626.1, residues 1267-1287): QANYSQIHHP[Pro1277Leu]QASVARHPSR